The following is an entry in ClinVar:

NM_014413.4(EIF2AK1):c.549+6C>T

Gene: EIF2AK1 (eukaryotic translation initiation factor 2 alpha kinase 1; minus strand). Cytogenetic location: 7p22.1.
Variant type: single nucleotide variant.
Coding change: c.549+6C>T on transcript NM_014413.4 (MANE Select); 6 bases into the intron after coding-DNA position 549, C replaced by T.
Molecular consequence: intron variant.
Genome position (GRCh38, 1-based): chr7:6,046,986, G>A on the plus strand (C>T on the coding strand, the complement: EIF2AK1 is on the minus strand). VCF-style: chr7-6046986-G-A. GRCh37 (hg19) VCF-style: chr7-6086617-G-A.
Other names: c.549+6C>T (NM_001134335.2).
Identifiers: ClinVar variation 2037456 (VCV002037456.29), dbSNP rs41282679, ClinGen allele CA4151169.

ClinVar aggregate classification (germline): Likely benign. Review status: criteria provided, multiple submitters, no conflicts (2 of 4 stars). 3 submissions from 3 submitters: Likely benign (3). Last evaluated 2025-10-22.

Allele frequency attached by ClinVar (database versions not stated): 1000 Genomes Project 0.00040; 1000 Genomes Project 30x 0.00078; ExAC 0.00126; gnomAD 0.00168; TOPMed 0.00189; ESP Exome Variant Server 0.00215; gnomAD exomes 0.00316.
gnomAD v4.1: 4,827 of 1,602,412 alleles (0.3%); highest among the groups gnomAD compares: Non-Finnish European, 0.38%; 9 homozygotes.

Submissions (3):

Labcorp Genetics (formerly Invitae), Labcorp
Classification: Likely benign. Last evaluated: 2025-10-22. Review status: criteria provided, single submitter. Criteria: Invitae Variant Classification Sherloc (09022015). Collection method: clinical testing. Allele origin: germline.

CeGaT Center for Human Genetics Tuebingen
Classification: Likely benign. Last evaluated: 2025-06-01. Review status: criteria provided, single submitter. Criteria: CeGaT Center For Human Genetics Tuebingen Variant Classification Criteria Version 2. Collection method: clinical testing. Allele origin: germline. Affected: yes. Observed: 3 variant alleles.
Comment: EIF2AK1: BP4, BS2

Blueprint Genetics
Classification: Likely benign. Last evaluated: 2024-11-20. Review status: criteria provided, single submitter. Criteria: ACMG Guidelines, 2015. Collection method: clinical testing. Allele origin: germline.